The following is an entry in ClinVar:

NM_181882.3(PRX):c.3722G>C (p.Gly1241Ala)

Gene: PRX (periaxin; minus strand). Cytogenetic location: 19q13.2.
Variant type: single nucleotide variant.
Coding change: c.3722G>C on transcript NM_181882.3 (MANE Select); coding-DNA position 3722, G replaced by C.
Protein change: p.Gly1241Ala; replaces glycine 1241 with alanine.
Molecular consequence: missense variant. On other transcripts: 3 prime UTR variant (1).
Genome position (GRCh38, 1-based): chr19:40,394,630, C>G on the plus strand (G>C on the coding strand, the complement: PRX is on the minus strand). VCF-style: chr19-40394630-C-G. GRCh37 (hg19) VCF-style: chr19-40900537-C-G.
Other names: c.*3927G>C (NM_020956.2); short protein forms G1241A.
Identifiers: ClinVar variation 1025425 (VCV001025425.9), dbSNP rs139120811, ClinGen allele CA9443799.
Genomic context (GRCh38, chr19:40,394,630, plus strand): 5'-GCACCCTCGCCCCCCACCCTAGCTCTGGCCCCCAGTGTGGGCAACTTCAGCCTCAGCCCA[C>G]CCTCGCCTGTGGCCGCCTCGCCCGCCTGTGCCTCTCGGCTTAGCCCCACGTCCAGCTCAA-3'
Protein context (NP_870998.2, residues 1231-1251): AQAGEAATGE[Gly1241Ala]GLRLKLPTLG

ClinVar aggregate classification (germline): Uncertain significance (1 of 4 stars; one submission).

Conditions:
Charcot-Marie-Tooth disease type 4. Also called: Charcot-Marie-Tooth disease, type IV; Charcot-Marie-Tooth, Type 4. Identifiers: Orphanet 64749, MedGen C4082197, MONDO:0018995.

Allele frequency attached by ClinVar (database versions not stated): gnomAD 0.00001.
gnomAD v4.1: 5 of 1,607,548 alleles (0.00031%); highest among the groups gnomAD compares: Non-Finnish European, 0.00042%; no homozygotes.

Submission:

Labcorp Genetics (formerly Invitae), Labcorp
Classification: Uncertain significance for Charcot-Marie-Tooth disease type 4. Last evaluated: 2020-01-30. Review status: criteria provided, single submitter. Criteria: Invitae Variant Classification Sherloc (09022015). Collection method: clinical testing. Allele origin: germline.
Comment: In summary, the available evidence is currently insufficient to determine the role of this variant in disease. Therefore, it has been classified as a Variant of Uncertain Significance. Algorithms developed to predict the effect of missense changes on protein structure and function (SIFT, PolyPhen-2, Align-GVGD) all suggest that this variant is likely to be disruptive, but these predictions have not been confirmed by published functional studies and their clinical significance is uncertain. This variant has not been reported in the literature in individuals with PRX-related conditions. This variant is present in population databases (rs139120811, ExAC 0.002%). This sequence change replaces glycine with alanine at codon 1241 of the PRX protein (p.Gly1241Ala). The glycine residue is highly conserved and there is a small physicochemical difference between glycine and alanine.